The following is an entry in ClinVar:

NM_000517.6(HBA2):c.359del (p.Pro120fs)

Genes: HBA2 (hemoglobin subunit alpha 2; plus strand), LOC106804612 (hemoglobin subunit alpha 2 recombination region; plus strand). Cytogenetic location: 16p13.3.
Variant type: Deletion.
Coding change: c.359del on transcript NM_000517.6 (MANE Select); coding-DNA position 359, one base deleted (C; older notation c.359delC).
Protein change: p.Pro120fs; shifts the reading frame from proline 120.
Molecular consequence: frameshift variant.
Genome position (GRCh38, 1-based): chr16:173,530, C deleted; the last of 4 consecutive C bases (chr16:173,527-173,530); deleting any one gives the same sequence. VCF-style (leftmost placement, unchanged base first): chr16-173526-AC-A. GRCh37 (hg19) VCF-style: chr16-223525-AC-A.
Other names: short protein forms P120fs.
Identifiers: ClinVar variation 4818669 (VCV004818669.1).
Genomic context (GRCh38, chr16:173,526, plus strand): 5'-GCACAGCTCCTAAGCCACTGCCTGCTGGTGACCCTGGCCGCCCACCTCCCCGCCGAGTTC[AC>A]CCCTGCGGTGCACGCCTCCCTGGACAAGTTCCTGGCTTCTGTGAGCACCGTGCTGACCTC-3'

ClinVar aggregate classification (germline): Likely pathogenic (1 of 4 stars; one submission).

Conditions:
alpha Thalassemia. Also called: Alpha thalassemia spectrum. Identifiers: Orphanet 846, MedGen C0002312, MONDO:0011399, OMIM 604131.

Submission:

Natera, Inc.
Classification: Likely pathogenic for Alpha thalassemia. Last evaluated: 2025-06-02. Review status: criteria provided, single submitter. Criteria: Natera Variant Classification Schema (03/2026). Collection method: clinical testing. Allele origin: germline.
Comment: The c.359delC variant in HBA2 is a frameshift variant predicted to shift the reading frame beginning at codon 120 and leads to a stop codon 14 codons downstream. This variant is expected to result in nonsense mediated decay, truncation, or a dysfunctional protein product. This variant is rare in the general population with a frequency below the threshold expected for the associated phenotype(s). Given the available evidence, this variant is classified as Likely Pathogenic.